The following is an entry in ClinVar:

NM_025114.4(CEP290):c.6377_6378del (p.Thr2126fs)

Gene: CEP290 (centrosomal protein 290; minus strand). Cytogenetic location: 12q21.32.
Variant type: Deletion.
Coding change: c.6377_6378del on transcript NM_025114.4 (MANE Select); coding-DNA positions 6377 to 6378, 2 bases deleted (CA; older notation c.6377_6378delCA).
Protein change: p.Thr2126fs; shifts the reading frame from threonine 2126.
Molecular consequence: frameshift variant.
Genome position (GRCh38, 1-based): chr12:88,060,974-88,060,975, TG deleted on the plus strand (CA on the coding strand, the reverse complement: CEP290 is on the minus strand); deleting any 2 consecutive bases within chr12:88,060,974-88,060,976 gives the same sequence; the c. name uses the placement nearest the transcript's 3' end. VCF-style (leftmost placement, unchanged base first): chr12-88060973-TTG-T. GRCh37 (hg19) VCF-style: chr12-88454750-TTG-T.
Other names: short protein forms T2126fs.
Identifiers: ClinVar variation 2007026 (VCV002007026.4), dbSNP rs2499571894, ClinGen allele CA2580086739.

ClinVar aggregate classification (germline): Pathogenic (1 of 4 stars; one submission).

Conditions:
Joubert syndrome. Also called: CEREBELLOPARENCHYMAL DISORDER IV; JOUBERT-BOLTSHAUSER SYNDROME; Familial aplasia of the vermis. Identifiers: Orphanet 475, MedGen C5979921, MONDO:0018772.
Meckel-Gruber syndrome. Also called: DYSENCEPHALIA SPLANCHNOCYSTICA; GRUBER SYNDROME; Dysencephalia splachnocystica. Identifiers: Orphanet 564, MedGen C0265215, MONDO:0018921.
Nephronophthisis. Also called: Juvenile Nephronophthisis. Identifiers: Orphanet 655, MedGen C0687120, MONDO:0019005, HP:0000090.

Submission:

Labcorp Genetics (formerly Invitae), Labcorp
Classification: Pathogenic for Joubert syndrome; Meckel-Gruber syndrome; Nephronophthisis. Last evaluated: 2024-02-24. Review status: criteria provided, single submitter. Criteria: Invitae Variant Classification Sherloc (09022015). Collection method: clinical testing. Allele origin: germline.
Comment: This sequence change creates a premature translational stop signal (p.Thr2126Asnfs*16) in the CEP290 gene. It is expected to result in an absent or disrupted protein product. Loss-of-function variants in CEP290 are known to be pathogenic (PMID: 16909394, 17345604, 20690115). This variant is not present in population databases (gnomAD no frequency). This variant has not been reported in the literature in individuals affected with CEP290-related conditions. ClinVar contains an entry for this variant (Variation ID: 2007026). For these reasons, this variant has been classified as Pathogenic.

Literature cited by the submitters: PubMed 16909394; PubMed 17345604; PubMed 20690115.